The following is an entry in ClinVar:

NM_006420.3(ARFGEF2):c.3369C>A (p.Asn1123Lys)

Gene: ARFGEF2 (ARF guanine nucleotide exchange factor 2; plus strand). Cytogenetic location: 20q13.13.
Variant type: single nucleotide variant.
Coding change: c.3369C>A on transcript NM_006420.3 (MANE Select); coding-DNA position 3369, C replaced by A.
Protein change: p.Asn1123Lys; replaces asparagine 1123 with lysine.
Molecular consequence: missense variant.
Genome position (GRCh38, 1-based): chr20:48,998,442, C>A. VCF-style: chr20-48998442-C-A. GRCh37 (hg19) VCF-style: chr20-47614979-C-A.
Other names: short protein forms N1123K.
Identifiers: ClinVar variation 1386519 (VCV001386519.6), dbSNP rs2123482377, ClinGen allele CA409314097.

ClinVar aggregate classification (germline): Uncertain significance (1 of 4 stars; one submission).

Submission:

Labcorp Genetics (formerly Invitae), Labcorp
Classification: Uncertain significance. Last evaluated: 2025-01-15. Review status: criteria provided, single submitter. Criteria: Invitae Variant Classification Sherloc (09022015). Collection method: clinical testing. Allele origin: germline.
Comment: This sequence change replaces asparagine, which is neutral and polar, with lysine, which is basic and polar, at codon 1123 of the ARFGEF2 protein (p.Asn1123Lys). This variant is not present in population databases (gnomAD no frequency). This variant has not been reported in the literature in individuals affected with ARFGEF2-related conditions. ClinVar contains an entry for this variant (Variation ID: 1386519). An algorithm developed to predict the effect of missense changes on protein structure and function (PolyPhen-2) suggests that this variant is likely to be disruptive. In summary, the available evidence is currently insufficient to determine the role of this variant in disease. Therefore, it has been classified as a Variant of Uncertain Significance.